The following is an entry in ClinVar:

ClinVar aggregate classification (germline): Benign. Review status: criteria provided, single submitter (1 of 4 stars). 2 submissions from 2 submitters: Benign (1). 1 of the submissions does not count toward it. Last evaluated 2023-09-22.

Conditions:
Agammaglobulinemia 5, autosomal dominant (AGM5). Also called: AGAMMAGLOBULINEMIA, AUTOSOMAL DOMINANT, DUE TO LRRC8A DEFECT. Identifiers: MedGen C3150753, MONDO:0013290, OMIM 613506.
LRRC8A-related disorder. Also called: LRRC8A-related condition.

Allele frequency attached by ClinVar (database versions not stated): gnomAD exomes 0.00076; ExAC 0.00275; 1000 Genomes Project 0.00679; 1000 Genomes Project 30x 0.00687; gnomAD 0.00805; TOPMed 0.00954; ESP Exome Variant Server 0.01000.
gnomAD v4.1: 2,347 of 1,604,536 alleles (0.15%); highest among the groups gnomAD compares: African/African-American, 2.8%; 33 homozygotes.

Submissions (2):

ARUP Laboratories, Molecular Genetics and Genomics, ARUP Laboratories
Classification: Benign for Agammaglobulinemia 5, autosomal dominant. Last evaluated: 2023-09-22. Review status: criteria provided, single submitter. Criteria: ARUP Molecular Germline Variant Investigation Process 2024. Collection method: clinical testing. Allele origin: germline.

PreventionGenetics, part of Exact Sciences
Classification: Benign for LRRC8A-related condition. Last evaluated: 2019-08-28. Review status: no assertion criteria provided. Collection method: clinical testing. Allele origin: germline. Not counted in ClinVar's aggregate classification.
Comment: This variant is classified as benign based on ACMG/AMP sequence variant interpretation guidelines (Richards et al. 2015 PMID: 25741868, with internal and published modifications).

NM_019594.4(LRRC8A):c.-2C>T

Gene: LRRC8A (leucine rich repeat containing 8 VRAC subunit A; plus strand). Cytogenetic location: 9q34.11.
Variant type: single nucleotide variant.
Coding change: c.-2C>T on transcript NM_019594.4 (MANE Select); 2 bases upstream of the start codon, C replaced by T.
Molecular consequence: 5 prime UTR variant.
Genome position (GRCh38, 1-based): chr9:128,907,163, C>T. VCF-style: chr9-128907163-C-T. GRCh37 (hg19) VCF-style: chr9-131669442-C-T.
Other names: c.-2C>T (NM_001127244.2, NM_001127245.2).
Identifiers: ClinVar variation 2920758 (VCV002920758.3), dbSNP rs55689326, ClinGen allele CA5270651.
Genomic context (GRCh38, chr9:128,907,163, plus strand): 5'-CCTAGGAAAGCCAGGCCACCCTGTGCTAACCCCCCTCCTATGGCTCCCTTTTAGGTTGAA[C>T]CATGATTCCGGTGACAGAGCTCCGCTACTTTGCGGACACGCAGCCAGCATACCGGATCCT-3'